The following is an entry in ClinVar:

ClinVar aggregate classification (germline): Likely benign. Review status: criteria provided, multiple submitters, no conflicts (2 of 4 stars). 7 submissions from 6 submitters: Likely benign (7). Last evaluated 2026-07-01.

Conditions:
Inborn genetic diseases. Identifiers: MedGen C0950123, MeSH D030342.
Familial cutaneous telangiectasia and oropharyngeal predisposition cancer syndrome. Identifiers: Orphanet 313846, MedGen C3281203, MONDO:0013806, OMIM 614564.
Seckel syndrome 1 (SCKL1). Also called: MICROCEPHALIC PRIMORDIAL DWARFISM I. Identifiers: Orphanet 808, MedGen C4551474, MONDO:0008869, OMIM 210600.

Allele frequency attached by ClinVar (database versions not stated): gnomAD 0.00008 and 0.00009; gnomAD exomes 0.00009; ExAC 0.00010; TOPMed 0.00012; 1000 Genomes Project 30x 0.00016; 1000 Genomes Project 0.00020.
gnomAD v4.1: 126 of 1,611,972 alleles (0.0078%); highest among the groups gnomAD compares: South Asian, 0.066%; no homozygotes.

Submissions (7):

CeGaT Center for Human Genetics Tuebingen
Classification: Likely benign. Last evaluated: 2026-07-01. Review status: criteria provided, single submitter. Criteria: CeGaT Center For Human Genetics Tuebingen Variant Classification Criteria Version 2. Collection method: clinical testing. Allele origin: germline. Affected: yes. Observed: 2 variant alleles.
Comment: ATR: BP4, BP7

Labcorp Genetics (formerly Invitae), Labcorp
Classification: Likely benign. Last evaluated: 2025-11-03. Review status: criteria provided, single submitter. Criteria: Invitae Variant Classification Sherloc (09022015). Collection method: clinical testing. Allele origin: germline.

Genome-Nilou Lab
Classification: Likely benign for Seckel syndrome 1. Last evaluated: 2023-02-08. Review status: criteria provided, single submitter. Criteria: ACMG Guidelines, 2015. Collection method: clinical testing. Allele origin: germline.

Genome-Nilou Lab
Classification: Likely benign for Familial cutaneous telangiectasia and oropharyngeal predisposition cancer syndrome. Last evaluated: 2023-02-08. Review status: criteria provided, single submitter. Criteria: ACMG Guidelines, 2015. Collection method: clinical testing. Allele origin: germline.

Ambry Genetics
Classification: Likely benign for Inborn genetic diseases. Last evaluated: 2022-02-12. Review status: criteria provided, single submitter. Criteria: Ambry Variant Classification Scheme 2023. Collection method: clinical testing. Allele origin: germline.

Fulgent Genetics
Classification: Likely benign for Seckel syndrome 1; Familial cutaneous telangiectasia and oropharyngeal predisposition cancer syndrome. Last evaluated: 2021-11-10. Review status: criteria provided, single submitter. Criteria: ACMG Guidelines, 2015. Collection method: clinical testing. Allele origin: unknown.

GeneDx
Classification: Likely benign. Last evaluated: 2019-06-03. Review status: criteria provided, single submitter. Criteria: GeneDx Variant Classification Process June 2021. Collection method: clinical testing. Allele origin: germline. Affected: yes.

NM_001184.4(ATR):c.7902C>T (p.Cys2634=)

Gene: ATR (ATR checkpoint kinase; minus strand). Cytogenetic location: 3q23.
Variant type: single nucleotide variant.
Coding change: c.7902C>T on transcript NM_001184.4 (MANE Select); coding-DNA position 7902, C replaced by T.
Protein change: p.Cys2634=; no amino-acid change (cysteine 2634 retained).
Molecular consequence: synonymous variant.
Genome position (GRCh38, 1-based): chr3:142,449,462, G>A on the plus strand (C>T on the coding strand, the complement: ATR is on the minus strand). VCF-style: chr3-142449462-G-A. GRCh37 (hg19) VCF-style: chr3-142168304-G-A.
Other names: c.7710C>T, p.Cys2570= (NM_001354579.2).
Identifiers: ClinVar variation 668234 (VCV000668234.46), dbSNP rs553715098, ClinGen allele CA2649011.